The following is an entry in ClinVar:

NM_001303.4(COX10):c.625T>C (p.Phe209Leu)

Gene: COX10 (cytochrome c oxidase assembly factor heme A:farnesyltransferase COX10; plus strand). Cytogenetic location: 17p12.
Variant type: single nucleotide variant.
Coding change: c.625T>C on transcript NM_001303.4 (MANE Select); coding-DNA position 625, T replaced by C.
Protein change: p.Phe209Leu; replaces phenylalanine 209 with leucine.
Molecular consequence: missense variant.
Genome position (GRCh38, 1-based): chr17:14,159,877, T>C. VCF-style: chr17-14159877-T-C. GRCh37 (hg19) VCF-style: chr17-14063194-T-C.
Other names: short protein forms F209L.
Identifiers: ClinVar variation 1500533 (VCV001500533.9), dbSNP rs767032314, ClinGen allele CA8402387.
Genomic context (GRCh38, chr17:14,159,877, plus strand): 5'-GCGGAAGAAAAGAATTGTTTTATAGTTAATGTTTTCTGTCTTTTTTCATTCTTTTTACAG[T>C]TTTTTGAGGTGCCATTTGACTCAAACATGAATAGGACAAAGAACAGACCGCTGGTTCGTG-3'
Protein context (NP_001294.2, residues 199-219): ASCAANSINQ[Phe209Leu]FEVPFDSNMN

ClinVar aggregate classification (germline): Uncertain significance. Review status: criteria provided, multiple submitters, no conflicts (2 of 4 stars). 2 submissions from 2 submitters: Uncertain significance (2). Last evaluated 2024-11-01.

Conditions:
Mitochondrial complex IV deficiency, nuclear type 3. Also called: Mitochondrial complex 4 deficiency, nuclear type 3. Identifiers: MedGen C5436682, MONDO:0033635, OMIM 619046.

Allele frequency attached by ClinVar (database versions not stated): TOPMed 0.00012; ExAC 0.00013; gnomAD exomes 0.00014 and 0.00005; gnomAD 0.00008.
gnomAD v4.1: 94 of 1,609,062 alleles (0.0058%); highest among the groups gnomAD compares: East Asian, 0.19%; no homozygotes.

Submissions (3):

Labcorp Genetics (formerly Invitae), Labcorp
Classification: Uncertain significance. Last evaluated: 2024-11-01. Review status: criteria provided, single submitter. Criteria: Invitae Variant Classification Sherloc (09022015). Collection method: clinical testing. Allele origin: germline.
Comment: This sequence change replaces phenylalanine, which is neutral and non-polar, with leucine, which is neutral and non-polar, at codon 209 of the COX10 protein (p.Phe209Leu). This variant is present in population databases (rs767032314, gnomAD 0.2%). This variant has not been reported in the literature in individuals affected with COX10-related conditions. ClinVar contains an entry for this variant (Variation ID: 1500533). An algorithm developed to predict the effect of missense changes on protein structure and function (PolyPhen-2) suggests that this variant is likely to be disruptive. In summary, the available evidence is currently insufficient to determine the role of this variant in disease. Therefore, it has been classified as a Variant of Uncertain Significance.

Fulgent Genetics
Classification: Uncertain significance for Mitochondrial complex IV deficiency, nuclear type 3. Last evaluated: 2024-05-03. Review status: criteria provided, single submitter. Criteria: ACMG Guidelines, 2015. Collection method: clinical testing. Allele origin: germline.

Johnston Lab, North Central College
No classification provided (evidence only). Review status: no classification provided. Collection method: in vitro. Allele origin: not applicable. Functional consequence: functionally_normal. Not counted in ClinVar's aggregate classification.
ClinVar note: "not provided" was previously submitted as the classification for the variant. However, the classification appeared to be based only on an observation of functional data so it was converted to no classification on 2025-07-30.